The following is an entry in ClinVar:

NM_013275.6(ANKRD11):c.5890G>A (p.Gly1964Arg)

Gene: ANKRD11 (ankyrin repeat domain containing 11; minus strand). Cytogenetic location: 16q24.3.
Variant type: single nucleotide variant.
Coding change: c.5890G>A on transcript NM_013275.6 (MANE Select); coding-DNA position 5890, G replaced by A.
Protein change: p.Gly1964Arg; replaces glycine 1964 with arginine.
Molecular consequence: missense variant.
Genome position (GRCh38, 1-based): chr16:89,280,652, C>T on the plus strand (G>A on the coding strand, the complement: ANKRD11 is on the minus strand). VCF-style: chr16-89280652-C-T. GRCh37 (hg19) VCF-style: chr16-89347060-C-T.
Other names: c.5890G>A, p.Gly1964Arg (NM_001256182.2, NM_001256183.2); short protein forms G1964R.
Identifiers: ClinVar variation 3902640 (VCV003902640.1).

ClinVar aggregate classification (germline): Uncertain significance (1 of 4 stars; one submission).

gnomAD v4.1: 2 of 1,613,468 alleles (0.00012%); highest among the groups gnomAD compares: Non-Finnish European, 0.00017%; no homozygotes.

Submission:

Women's Health and Genetics/Laboratory Corporation of America, LabCorp
Classification: Uncertain significance. Last evaluated: 2025-05-28. Review status: criteria provided, single submitter. Criteria: LabCorp Variant Classification Summary - May 2015. Collection method: clinical testing. Allele origin: germline.
Comment: Variant summary: ANKRD11 c.5890G>A (p.Gly1964Arg) results in a non-conservative amino acid change in the encoded protein sequence. Algorithms developed to predict the effect of missense changes on protein structure and function are either unavailable or do not agree on the potential impact of this missense change. The variant was absent in 244744 control chromosomes. The available data on variant occurrences in the general population are insufficient to allow any conclusion about variant significance. To our knowledge, no occurrence of c.5890G>A in individuals affected with KBG Syndrome and no experimental evidence demonstrating its impact on protein function have been reported. No submitters have cited clinical-significance assessments for this variant to ClinVar. Based on the evidence outlined above, the variant was classified as uncertain significance.